The following is an entry in ClinVar:

NM_138927.4(SON):c.6657+160A>C

Gene: SON (SON DNA and RNA binding protein; plus strand). Cytogenetic location: 21q22.11.
Variant type: single nucleotide variant.
Coding change: c.6657+160A>C on transcript NM_138927.4 (MANE Select); 160 bases into the intron after coding-DNA position 6657, A replaced by C.
Molecular consequence: intron variant. On other transcripts: missense variant (1).
Genome position (GRCh38, 1-based): chr21:33,559,935, A>C. VCF-style: chr21-33559935-A-C. GRCh37 (hg19) VCF-style: chr21-34932241-A-C.
Other names: c.6716A>C, p.His2239Pro (NM_032195.3); c.741+160A>C (NM_001291412.3); short protein forms H2239P.
Identifiers: ClinVar variation 1309268 (VCV001309268.4), dbSNP rs2086040387, ClinGen allele CA410119689.

ClinVar aggregate classification (germline): Uncertain significance. Review status: criteria provided, multiple submitters, no conflicts (2 of 4 stars). 2 submissions from 2 submitters: Uncertain significance (2). Last evaluated 2025-03-12.

Allele frequency attached by ClinVar (database versions not stated): gnomAD 0.00001; TOPMed below 0.00001.

Submissions (2):

Labcorp Genetics (formerly Invitae), Labcorp
Classification: Uncertain significance. Last evaluated: 2025-03-12. Review status: criteria provided, single submitter. Criteria: Invitae Variant Classification Sherloc (09022015). Collection method: clinical testing. Allele origin: germline.
Comment: This sequence change replaces histidine, which is basic and polar, with proline, which is neutral and non-polar, at codon 2239 of the SON protein (p.His2239Pro). This variant is not present in population databases (gnomAD no frequency). This variant has not been reported in the literature in individuals affected with SON-related conditions. ClinVar contains an entry for this variant (Variation ID: 1309268). Experimental studies and prediction algorithms are not available or were not evaluated, and the functional significance of this variant is currently unknown. In summary, the available evidence is currently insufficient to determine the role of this variant in disease. Therefore, it has been classified as a Variant of Uncertain Significance.

GeneDx
Classification: Uncertain significance. Last evaluated: 2023-06-15. Review status: criteria provided, single submitter. Criteria: GeneDx Variant Classification Process June 2021. Collection method: clinical testing. Allele origin: germline. Affected: yes.
Comment: Not observed in large population cohorts (gnomAD); In silico analysis, which includes protein predictors and evolutionary conservation, supports that this variant does not alter protein structure/function; Has not been previously published as pathogenic or benign to our knowledge